The following is an entry in ClinVar:

NM_015015.3(KDM4B):c.2343dup (p.Gly782fs)

Gene: KDM4B (lysine demethylase 4B; plus strand). Cytogenetic location: 19p13.3.
Variant type: Duplication.
Coding change: c.2343dup on transcript NM_015015.3 (MANE Select); coding-DNA position 2343, one base duplicated (A; older notation c.2343dupA).
Protein change: p.Gly782fs; shifts the reading frame from glycine 782.
Molecular consequence: frameshift variant.
Genome position (GRCh38, 1-based): chr19:5,137,296, A duplicated; the last of 2 consecutive A bases (chr19:5,137,295-5,137,296); duplicating either gives the same sequence. VCF-style (leftmost placement, unchanged base first): chr19-5137294-G-GA. GRCh37 (hg19) VCF-style: chr19-5137305-G-GA.
Other names: c.2445dup, p.Gly816Argfs (NM_001411148.1); short protein forms G782fs.
Identifiers: ClinVar variation 2429016 (VCV002429016.4), dbSNP rs2512151147, ClinGen allele CA2580097006.

ClinVar aggregate classification (germline): Likely pathogenic (1 of 4 stars; one submission).

Conditions:
Intellectual developmental disorder, autosomal dominant 65. Also called: MENTAL RETARDATION, AUTOSOMAL DOMINANT 65. Identifiers: MedGen C5543371, MONDO:0023657, OMIM 619320.

Submission:

Greenwood Genetic Center Diagnostic Laboratories, Greenwood Genetic Center
Classification: Likely pathogenic for Intellectual developmental disorder, autosomal dominant 65. Last evaluated: 2022-12-08. Review status: criteria provided, single submitter. Criteria: ACMG Guidelines, 2015. Collection method: clinical testing. Allele origin: germline. Affected: yes.
Comment: PVS1, PM2